The following is an entry in ClinVar:

NM_144701.3(IL23R):c.387T>A (p.Asp129Glu)

Gene: IL23R (interleukin 23 receptor; plus strand). Cytogenetic location: 1p31.3.
Variant type: single nucleotide variant.
Coding change: c.387T>A on transcript NM_144701.3 (MANE Select); coding-DNA position 387, T replaced by A.
Protein change: p.Asp129Glu; replaces aspartic acid 129 with glutamic acid.
Molecular consequence: missense variant.
Genome position (GRCh38, 1-based): chr1:67,182,855, T>A. VCF-style: chr1-67182855-T-A. GRCh37 (hg19) VCF-style: chr1-67648538-T-A.
Other names: short protein forms D129E.
Identifiers: ClinVar variation 1432586 (VCV001432586.8), dbSNP rs539497366, ClinGen allele CA899703.
Genomic context (GRCh38, chr1:67,182,855, plus strand): 5'-TATTTCTTACAGCACCTCCTAAGTGTTATGTTTTGTTGCAGATCCGCCAGATATTCCTGA[T>A]GAAGTAACCTGTGTCATTTATGAATATTCAGGCAACATGACTTGCACCTGGAATGCTGGG-3'
Protein context (NP_653302.2, residues 119-139): ISSGYPPDIP[Asp129Glu]EVTCVIYEYS

ClinVar aggregate classification (germline): Uncertain significance (1 of 4 stars; one submission).

Allele frequency attached by ClinVar (database versions not stated): gnomAD 0.00004 and 0.00005; gnomAD exomes 0.00005 and 0.00011; TOPMed 0.00008; ExAC 0.00010; 1000 Genomes Project 30x 0.00016; 1000 Genomes Project 0.00020.
gnomAD v4.1: 85 of 1,614,096 alleles (0.0053%); highest among the groups gnomAD compares: East Asian, 0.16%; no homozygotes.

Submission:

Labcorp Genetics (formerly Invitae), Labcorp
Classification: Uncertain significance. Last evaluated: 2026-01-05. Review status: criteria provided, single submitter. Criteria: Invitae Variant Classification Sherloc (09022015). Collection method: clinical testing. Allele origin: germline.
Comment: This sequence change replaces aspartic acid, which is acidic and polar, with glutamic acid, which is acidic and polar, at codon 129 of the IL23R protein (p.Asp129Glu). This variant is present in population databases (rs539497366, gnomAD 0.1%), and has an allele count higher than expected for a pathogenic variant. This variant has not been reported in the literature in individuals affected with IL23R-related conditions. ClinVar contains an entry for this variant (Variation ID: 1432586). An algorithm developed to predict the effect of missense changes on protein structure and function outputs the following: PolyPhen-2: "Possibly Damaging". The glutamic acid amino acid residue is found in multiple mammalian species, which suggests that this missense change does not adversely affect protein function. In summary, the available evidence is currently insufficient to determine the role of this variant in disease. Therefore, it has been classified as a Variant of Uncertain Significance.